The following is an entry in ClinVar:

NM_000038.6(APC):c.2520C>T (p.Ser840=)

Gene: APC (APC regulator of Wnt signaling pathway; plus strand). Cytogenetic location: 5q22.2.
Variant type: single nucleotide variant.
Coding change: c.2520C>T on transcript NM_000038.6 (MANE Select); coding-DNA position 2520, C replaced by T.
Protein change: p.Ser840=; no amino-acid change (serine 840 retained).
Molecular consequence: synonymous variant.
Genome position (GRCh38, 1-based): chr5:112,838,114, C>T. VCF-style: chr5-112838114-C-T. GRCh37 (hg19) VCF-style: chr5-112173811-C-T.
Other names: c.2520C>T, p.Ser840= (NM_001127510.3, NM_001354895.2); c.2466C>T, p.Ser822= (NM_001127511.3); c.2574C>T, p.Ser858= (NM_001354896.2); c.2550C>T, p.Ser850= (NM_001354897.2); c.2445C>T, p.Ser815= (NM_001354898.2); c.2436C>T, p.Ser812= (NM_001354899.2); c.2397C>T, p.Ser799= (NM_001354900.2); c.2343C>T, p.Ser781= (NM_001354901.2); and 5 more.
Identifiers: ClinVar variation 487007 (VCV000487007.17), dbSNP rs1460612068, ClinGen allele CA445962818.

ClinVar aggregate classification (germline): Benign/Likely benign. Review status: criteria provided, multiple submitters, no conflicts (2 of 4 stars). 4 submissions from 4 submitters: Benign (1); Likely benign (3). Last evaluated 2025-07-07.

Conditions:
Hereditary cancer-predisposing syndrome. Also called: Tumor predisposition; Hereditary Cancer Syndrome; Hereditary neoplastic syndrome; Neoplastic Syndromes, Hereditary. Identifiers: Orphanet 140162, MedGen C0027672, MeSH D009386, MONDO:0015356.
Familial adenomatous polyposis 1 (FAP1). Also called: FAMILIAL ADENOMATOUS POLYPOSIS 1, ATTENUATED; POLYPOSIS, ADENOMATOUS INTESTINAL. Identifiers: MedGen C2713442, MONDO:0021056, OMIM 175100. Disease mechanism: loss of function.

Allele frequency attached by ClinVar (database versions not stated): gnomAD exomes below 0.00001 and 0.00001; TOPMed 0.00001.
gnomAD v4.1: 2 of 1,614,160 alleles (0.00012%); highest among the groups gnomAD compares: East Asian, 0.0022%; no homozygotes.

Submissions (4):

Labcorp Genetics (formerly Invitae), Labcorp
Classification: Likely benign for Familial adenomatous polyposis 1. Last evaluated: 2025-07-07. Review status: criteria provided, single submitter. Criteria: Invitae Variant Classification Sherloc (09022015). Collection method: clinical testing. Allele origin: germline.

Myriad Genetics, Inc.
Classification: Benign for Familial adenomatous polyposis 1. Last evaluated: 2024-03-14. Review status: criteria provided, single submitter. Criteria: Myriad Autosomal Dominant, Autosomal Recessive and X-Linked Classification Criteria (2023). Collection method: clinical testing. Allele origin: unknown.
Comment: This variant is considered benign. This variant is a silent/synonymous amino acid change and it is not expected to impact splicing.

GeneDx
Classification: Likely benign. Last evaluated: 2021-03-03. Review status: criteria provided, single submitter. Criteria: GeneDx Variant Classification Process June 2021. Collection method: clinical testing. Allele origin: germline. Affected: yes.

Ambry Genetics
Classification: Likely benign for Hereditary cancer-predisposing syndrome. Last evaluated: 2016-09-13. Review status: criteria provided, single submitter. Criteria: Ambry Variant Classification Scheme 2023. Collection method: clinical testing. Allele origin: germline.